The following is an entry in ClinVar:

ClinVar aggregate classification (germline): Uncertain significance (1 of 4 stars; one submission).

gnomAD v4.1: 1 of 1,612,174 alleles (0.000062%); highest among the groups gnomAD compares: Admixed American, 0.0017%; no homozygotes.

Submission:

Labcorp Genetics (formerly Invitae), Labcorp
Classification: Uncertain significance. Last evaluated: 2025-02-28. Review status: criteria provided, single submitter. Criteria: Invitae Variant Classification Sherloc (09022015). Collection method: clinical testing. Allele origin: germline.
Comment: This sequence change replaces leucine, which is neutral and non-polar, with phenylalanine, which is neutral and non-polar, at codon 1124 of the LCT protein (p.Leu1124Phe). This variant is present in population databases (no rsID available, gnomAD 0.003%). This variant has not been reported in the literature in individuals affected with LCT-related conditions. Invitae Evidence Modeling of protein sequence and biophysical properties (such as structural, functional, and spatial information, amino acid conservation, physicochemical variation, residue mobility, and thermodynamic stability) indicates that this missense variant is expected to disrupt LCT protein function with a positive predictive value of 80%. In summary, the available evidence is currently insufficient to determine the role of this variant in disease. Therefore, it has been classified as a Variant of Uncertain Significance.

NM_002299.4(LCT):c.3370C>T (p.Leu1124Phe)

Gene: LCT (lactase; minus strand). Cytogenetic location: 2q21.3.
Variant type: single nucleotide variant.
Coding change: c.3370C>T on transcript NM_002299.4 (MANE Select); coding-DNA position 3370, C replaced by T.
Protein change: p.Leu1124Phe; replaces leucine 1124 with phenylalanine.
Molecular consequence: missense variant.
Genome position (GRCh38, 1-based): chr2:135,808,977, G>A on the plus strand (C>T on the coding strand, the complement: LCT is on the minus strand). VCF-style: chr2-135808977-G-A. GRCh37 (hg19) VCF-style: chr2-136566547-G-A.
Other names: short protein forms L1124F.
Identifiers: ClinVar variation 4766063 (VCV004766063.1).